The following is an entry in ClinVar:

ClinVar aggregate classification (germline): Pathogenic (1 of 4 stars; one submission).

Conditions:
Glycogen storage disease, type IV (GSD4). Also called: AMYLOPECTINOSIS; ANDERSEN DISEASE; BRANCHER DEFICIENCY; CIRRHOSIS, FAMILIAL, WITH DEPOSITION OF ABNORMAL GLYCOGEN; GBE1 DEFICIENCY; GLYCOGEN BRANCHING ENZYME DEFICIENCY. Identifiers: Orphanet 367, MedGen C0017923, MONDO:0009292, OMIM 232500.

Submission:

Myriad Genetics, Inc.
Classification: Pathogenic for Glycogen storage disease, type IV. Last evaluated: 2024-05-14. Review status: criteria provided, single submitter. Criteria: Myriad Autosomal Dominant, Autosomal Recessive and X-Linked Classification Criteria (2023). Collection method: clinical testing. Allele origin: unknown.
Comment: NM_000158.3(GBE1):c.1675_1676ins16(S559Tfs*18) is expected to be pathogenic in the context of glycogen storage disease, GBE1-related. This variant is predicted to lead to an abnormal or absent protein product due to the creation of a premature termination codon in GBE1, a gene where loss-of-function variants are known to be pathogenic. Please note: this variant was assessed in the context of healthy population screening.

NM_000158.4(GBE1):c.1675_1676insCGAAGACATATTATTT (p.Ser559fs)

Gene: GBE1 (1,4-alpha-glucan branching enzyme 1; minus strand). Cytogenetic location: 3p12.2.
Variant type: Insertion.
Coding change: c.1675_1676insCGAAGACATATTATTT on transcript NM_000158.4 (MANE Select); coding-DNA positions 1675 to 1676, CGAAGACATATTATTT inserted.
Protein change: p.Ser559fs; shifts the reading frame from serine 559.
Molecular consequence: frameshift variant.
Genome position: GRCh38 VCF-style: chr3-81537038-C-CAAATAATATGTCTTCG. GRCh37 (hg19) VCF-style: chr3-81586189-C-CAAATAATATGTCTTCG.
Other names: short protein forms S559fs.
Identifiers: ClinVar variation 5010440 (VCV005010440.1).